The following is an entry in ClinVar:

NM_001377.3(DYNC2H1):c.621+235A>G

Gene: DYNC2H1 (dynein cytoplasmic 2 heavy chain 1; plus strand). Cytogenetic location: 11q22.3.
Variant type: single nucleotide variant.
Coding change: c.621+235A>G on transcript NM_001377.3 (MANE Select); 235 bases into the intron after coding-DNA position 621, A replaced by G.
Molecular consequence: intron variant.
Genome position (GRCh38, 1-based): chr11:103,115,530, A>G. VCF-style: chr11-103115530-A-G. GRCh37 (hg19) VCF-style: chr11-102986259-A-G.
Other names: c.621+235A>G (NM_001080463.2).
Identifiers: ClinVar variation 667689 (VCV000667689.1), dbSNP rs2435928, ClinGen allele CA16427884.

ClinVar aggregate classification (germline): Benign (1 of 4 stars; one submission).

Allele frequency attached by ClinVar (database versions not stated): gnomAD 0.31544 and 0.32049; 1000 Genomes Project 0.31849; TOPMed 0.32158; 1000 Genomes Project 30x 0.32605.
gnomAD v4.1: 47,955 of 152,024 alleles (32%); highest among the groups gnomAD compares: African/African-American, 48%; 8,416 homozygotes.

Submission:

GeneDx
Classification: Benign. Last evaluated: 2018-06-14. Review status: criteria provided, single submitter. Criteria: GeneDx Variant Classification (06012015). Collection method: clinical testing. Allele origin: germline. Affected: yes.
Comment: This variant is considered likely benign or benign based on one or more of the following criteria: it is a conservative change, it occurs at a poorly conserved position in the protein, it is predicted to be benign by multiple in silico algorithms, and/or has population frequency not consistent with disease.